The following is an entry in ClinVar:

NM_000722.4(CACNA2D1):c.-183T>C

Gene: CACNA2D1 (calcium voltage-gated channel auxiliary subunit alpha2delta 1; minus strand). Cytogenetic location: 7q21.11.
Variant type: single nucleotide variant.
Coding change: c.-183T>C on transcript NM_000722.4 (MANE Select); 183 bases upstream of the start codon, T replaced by C.
Molecular consequence: 5 prime UTR variant.
Genome position (GRCh38, 1-based): chr7:82,443,642, A>G on the plus strand (T>C on the coding strand, the complement: CACNA2D1 is on the minus strand). VCF-style: chr7-82443642-A-G. GRCh37 (hg19) VCF-style: chr7-82072958-A-G.
Other names: c.-183T>C (NM_001302890.2, NM_001366867.1).
Identifiers: ClinVar variation 674595 (VCV000674595.2), dbSNP rs6954596, ClinGen allele CA12513802.

ClinVar aggregate classification (germline): Benign. Review status: criteria provided, multiple submitters, no conflicts (2 of 4 stars). 2 submissions from 2 submitters: Benign (2). Last evaluated 2018-06-18.

Allele frequency attached by ClinVar (database versions not stated): TOPMed 0.65394; 1000 Genomes Project 0.65415; gnomAD 0.65658 and 0.65889; 1000 Genomes Project 30x 0.65834.
gnomAD v4.1: 785,781 of 1,291,474 alleles (61%); highest among the groups gnomAD compares: African/African-American, 83%; 241,586 homozygotes.

Submissions (2):

GeneDx
Classification: Benign. Last evaluated: 2018-06-18. Review status: criteria provided, single submitter. Criteria: GeneDx Variant Classification (06012015). Collection method: clinical testing. Allele origin: germline. Affected: yes.
Comment: This variant is considered likely benign or benign based on one or more of the following criteria: it is a conservative change, it occurs at a poorly conserved position in the protein, it is predicted to be benign by multiple in silico algorithms, and/or has population frequency not consistent with disease.

Breakthrough Genomics
Classification: Benign. Review status: criteria provided, single submitter. Criteria: ACMG Guidelines, 2015. Collection method: not provided. Allele origin: germline. Inheritance: Autosomal recessive inheritance. Affected: yes.